The following is an entry in ClinVar:

ClinVar aggregate classification (germline): Pathogenic. Review status: criteria provided, multiple submitters, no conflicts (2 of 4 stars). 2 submissions from 2 submitters: Pathogenic (2). Last evaluated 2026-08-18.

Conditions:
Hereditary cancer-predisposing syndrome. Also called: Neoplastic Syndromes, Hereditary; Hereditary neoplastic syndrome; Hereditary Cancer Syndrome; Tumor predisposition. Identifiers: Orphanet 140162, MedGen C0027672, MeSH D009386, MONDO:0015356.
Hereditary breast ovarian cancer syndrome. Also called: Hereditary breast and/or ovarian cancer syndrome; BRCA1- and BRCA2-Associated Hereditary Breast and Ovarian Cancer; Hereditary breast and ovarian cancer syndrome; Breast and ovarian cancer; Hereditary breast and ovarian cancer; Hereditary breast and ovarian cancer syndrome (HBOC). Identifiers: Orphanet 145, MedGen C0677776, MeSH D061325, MONDO:0003582. Disease mechanism: loss of function.

Submissions (2):

Ambry Genetics
Classification: Pathogenic for Hereditary cancer-predisposing syndrome. Last evaluated: 2026-08-18. Review status: criteria provided, single submitter. Criteria: Ambry Variant Classification Scheme 2023. Collection method: clinical testing. Allele origin: germline.
Comment: The c.1572_1573insCC pathogenic mutation, located in coding exon 9 of the BRCA2 gene, results from an insertion of two nucleotides at position 1572, causing a translational frameshift with a predicted alternate stop codon (p.T525Pfs*34). This variant is considered to be rare based on population cohorts in the Genome Aggregation Database (gnomAD). This variant is expected to result in loss of function by premature protein truncation or nonsense-mediated mRNA decay. As such, this variant is interpreted as a disease-causing mutation.

Labcorp Genetics (formerly Invitae), Labcorp
Classification: Pathogenic for Hereditary breast ovarian cancer syndrome. Last evaluated: 2023-05-25. Review status: criteria provided, single submitter. Criteria: Invitae Variant Classification Sherloc (09022015). Collection method: clinical testing. Allele origin: germline.
Comment: For these reasons, this variant has been classified as Pathogenic. ClinVar contains an entry for this variant (Variation ID: 462240). This variant has not been reported in the literature in individuals affected with BRCA2-related conditions. This variant is not present in population databases (gnomAD no frequency). This sequence change creates a premature translational stop signal (p.Thr525Profs*34) in the BRCA2 gene. It is expected to result in an absent or disrupted protein product. Loss-of-function variants in BRCA2 are known to be pathogenic (PMID: 20104584).

Literature cited by the submitters: PubMed 20104584 (cited by Labcorp Genetics (formerly Invitae), Labcorp).

NM_000059.4(BRCA2):c.1572_1573insCC (p.Thr525fs)

Gene: BRCA2 (BRCA2 DNA repair associated; plus strand). Cytogenetic location: 13q13.1.
Variant type: Insertion.
Coding change: c.1572_1573insCC on transcript NM_000059.4 (MANE Select); coding-DNA positions 1572 to 1573, CC inserted.
Protein change: p.Thr525fs; shifts the reading frame from threonine 525.
Molecular consequence: frameshift variant.
Genome position: GRCh38 VCF-style: chr13-32333050-G-GCC. GRCh37 (hg19) VCF-style: chr13-32907187-G-GCC.
Other names: short protein forms T525fs.
Identifiers: ClinVar variation 462240 (VCV000462240.8), dbSNP rs1555281956, ClinGen allele CA658656338.